The following is an entry in ClinVar:

ClinVar aggregate classification (germline): Uncertain significance (1 of 4 stars; one submission).

gnomAD v4.1: 33 of 1,611,436 alleles (0.002%); highest among the groups gnomAD compares: African/African-American, 0.033%; no homozygotes.

Submission:

Labcorp Genetics (formerly Invitae), Labcorp
Classification: Uncertain significance. Last evaluated: 2025-06-12. Review status: criteria provided, single submitter. Criteria: Invitae Variant Classification Sherloc (09022015). Collection method: clinical testing. Allele origin: germline.
Comment: This sequence change replaces alanine, which is neutral and non-polar, with threonine, which is neutral and polar, at codon 50 of the CASZ1 protein (p.Ala50Thr). This variant is present in population databases (rs368046410, gnomAD 0.03%). This variant has not been reported in the literature in individuals affected with CASZ1-related conditions. An algorithm developed to predict the effect of missense changes on protein structure and function outputs the following: PolyPhen-2: "Benign". The threonine amino acid residue is found in multiple mammalian species, which suggests that this missense change does not adversely affect protein function. In summary, the available evidence is currently insufficient to determine the role of this variant in disease. Therefore, it has been classified as a Variant of Uncertain Significance.

NM_001079843.3(CASZ1):c.148G>A (p.Ala50Thr)

Gene: CASZ1 (castor zinc finger 1; minus strand). Cytogenetic location: 1p36.22.
Variant type: single nucleotide variant.
Coding change: c.148G>A on transcript NM_001079843.3 (MANE Select); coding-DNA position 148, G replaced by A.
Protein change: p.Ala50Thr; replaces alanine 50 with threonine.
Molecular consequence: missense variant.
Genome position (GRCh38, 1-based): chr1:10,665,440, C>T on the plus strand (G>A on the coding strand, the complement: CASZ1 is on the minus strand). VCF-style: chr1-10665440-C-T. GRCh37 (hg19) VCF-style: chr1-10725497-C-T.
Other names: c.148G>A, p.Ala50Thr (NM_017766.5); short protein forms A50T.
Identifiers: ClinVar variation 4752475 (VCV004752475.1).